The following is an entry in ClinVar:

ClinVar aggregate classification (germline): Uncertain significance. Review status: criteria provided, multiple submitters, no conflicts (2 of 4 stars). 2 submissions from 2 submitters: Uncertain significance (2). Last evaluated 2021-04-12.

Conditions:
Hearing impairment. Also called: Impaired Hearing. Identifiers: MedGen C1384666, MONDO:0005365, HP:0000365.

Submissions (2):

Department of Otolaryngology – Head & Neck Surgery, Cochlear Implant Center
Classification: Uncertain significance for Hearing impairment. Last evaluated: 2021-04-12. Review status: criteria provided, single submitter. Criteria: ClinGen HL ACMG Specifications v1. Collection method: clinical testing. Allele origin: germline. Affected: yes.
Comment: PM2_Moderate, PP3_Supporting

Laboratory for Molecular Medicine, Mass General Brigham Personalized Medicine
Classification: Uncertain significance. Last evaluated: 2019-07-25. Review status: criteria provided, single submitter. Criteria: LMM Criteria. Collection method: clinical testing. Allele origin: germline. Observed: 1 variant allele.
Comment: The p.Pro498Ser variant in SLITRK6 has not been previously reported in individuals with hearing loss or myopia, and was absent from large population studies. Computational prediction tools and conservation analyses suggest that this variant may impact the protein, though this information is not predictive enough to determine pathogenicity. In summary, the clinical significance of this variant is uncertain. ACMG/AMP Criteria applied: PM2, PP3.

NM_032229.3(SLITRK6):c.1492C>T (p.Pro498Ser)

Gene: SLITRK6 (SLIT and NTRK like family member 6; minus strand). Cytogenetic location: 13q31.1.
Variant type: single nucleotide variant.
Coding change: c.1492C>T on transcript NM_032229.3 (MANE Select); coding-DNA position 1492, C replaced by T.
Protein change: p.Pro498Ser; replaces proline 498 with serine.
Molecular consequence: missense variant.
Genome position (GRCh38, 1-based): chr13:85,795,017, G>A on the plus strand (C>T on the coding strand, the complement: SLITRK6 is on the minus strand). VCF-style: chr13-85795017-G-A. GRCh37 (hg19) VCF-style: chr13-86369152-G-A.
Other names: short protein forms P498S.
Identifiers: ClinVar variation 930018 (VCV000930018.7), dbSNP rs755925837, ClinGen allele CA388375548.
Genomic context (GRCh38, chr13:85,795,017, plus strand): 5'-GGTTATCCTCAAGGTCAATCTGGGTTAGCAAATCAAGATCATCCAAAATATTACTTACAG[G>A]TAGATGGGTAAACTGGTTTGTTTTAAGATTTACCTTAGTTAGAGGAACCCCTGAAAAAAT-3'
Protein context (NP_115605.2, residues 488-508): NLKTNQFTHL[Pro498Ser]VSNILDDLDL